The following is an entry in ClinVar:

ClinVar aggregate classification (germline): Pathogenic (1 of 4 stars; one submission).

Submission:

GeneDx
Classification: Pathogenic. Last evaluated: 2025-10-27. Review status: criteria provided, single submitter. Criteria: GeneDx Variant Classification Process June 2021. Collection method: clinical testing. Allele origin: germline. Affected: yes.
Comment: Nonsense variant predicted to result in protein truncation or nonsense mediated decay in a gene for which loss of function is a known mechanism of disease; Not observed at significant frequency in large population cohorts (gnomAD); Has not been previously published as pathogenic or benign to our knowledge

NM_153252.5(BRWD3):c.3784C>T (p.Arg1262Ter)

Gene: BRWD3 (bromodomain and WD repeat domain containing 3; minus strand). Cytogenetic location: Xq21.1.
Variant type: single nucleotide variant.
Coding change: c.3784C>T on transcript NM_153252.5 (MANE Select); coding-DNA position 3784, C replaced by T.
Protein change: p.Arg1262Ter; replaces arginine 1262 with a stop codon.
Molecular consequence: nonsense.
Genome position (GRCh38, 1-based): chrX:80,689,791, G>A on the plus strand (C>T on the coding strand, the complement: BRWD3 is on the minus strand). VCF-style: chrX-80689791-G-A. GRCh37 (hg19) VCF-style: chrX-79945290-G-A.
Other names: short protein forms R1262*.
Identifiers: ClinVar variation 2501335 (VCV002501335.2), dbSNP rs2072586760, ClinGen allele CA413615196.